The following is an entry in ClinVar:

ClinVar aggregate classification (germline): Uncertain significance (1 of 4 stars; one submission).

Allele frequency attached by ClinVar (database versions not stated): TOPMed 0.00001.

Submission:

Labcorp Genetics (formerly Invitae), Labcorp
Classification: Uncertain significance. Last evaluated: 2021-10-29. Review status: criteria provided, single submitter. Criteria: Invitae Variant Classification Sherloc (09022015). Collection method: clinical testing. Allele origin: germline.
Comment: This sequence change replaces leucine, which is neutral and non-polar, with phenylalanine, which is neutral and non-polar, at codon 475 of the WHRN protein (p.Leu475Phe). This variant is present in population databases (no rsID available, gnomAD 0.0008%). This variant has not been reported in the literature in individuals affected with WHRN-related conditions. Algorithms developed to predict the effect of missense changes on protein structure and function are either unavailable or do not agree on the potential impact of this missense change (SIFT: "Deleterious"; PolyPhen-2: "Possibly Damaging"; Align-GVGD: "Class C15"). In summary, the available evidence is currently insufficient to determine the role of this variant in disease. Therefore, it has been classified as a Variant of Uncertain Significance.

NM_015404.4(WHRN):c.1423C>T (p.Leu475Phe)

Gene: WHRN (whirlin; minus strand). Cytogenetic location: 9q32.
Variant type: single nucleotide variant.
Coding change: c.1423C>T on transcript NM_015404.4 (MANE Select); coding-DNA position 1423, C replaced by T.
Protein change: p.Leu475Phe; replaces leucine 475 with phenylalanine.
Molecular consequence: missense variant.
Genome position (GRCh38, 1-based): chr9:114,423,517, G>A on the plus strand (C>T on the coding strand, the complement: WHRN is on the minus strand). VCF-style: chr9-114423517-G-A. GRCh37 (hg19) VCF-style: chr9-117185797-G-A.
Other names: c.274C>T, p.Leu92Phe (NM_001083885.3); c.1423C>T, p.Leu475Phe (NM_001173425.2); c.370C>T, p.Leu124Phe (NM_001346890.1); short protein forms L124F, L475F, L92F.
Identifiers: ClinVar variation 1514647 (VCV001514647.6), dbSNP rs1156730577, ClinGen allele CA374607714.